The following is an entry in ClinVar:

NM_006180.6(NTRK2):c.1700_1701del (p.Lys567fs)

Gene: NTRK2 (neurotrophic receptor tyrosine kinase 2; plus strand). Cytogenetic location: 9q21.33.
Variant type: Deletion.
Coding change: c.1700_1701del on transcript NM_006180.6 (MANE Select); coding-DNA positions 1700 to 1701, 2 bases deleted (AA; older notation c.1700_1701delAA).
Protein change: p.Lys567fs; shifts the reading frame from lysine 567.
Molecular consequence: frameshift variant.
Genome position (GRCh38, 1-based): chr9:84,934,228-84,934,229, AA deleted; deleting any 2 consecutive bases within chr9:84,934,226-84,934,229 gives the same sequence; the c. name uses the placement nearest the transcript's 3' end. VCF-style (leftmost placement, unchanged base first): chr9-84934225-GAA-G. GRCh37 (hg19) VCF-style: chr9-87549140-GAA-G.
Other names: c.1652_1653del, p.Lys551fs (NM_001018064.3, NM_001369532.1, NM_001369533.1); c.1616_1617del, p.Lys539fs (NM_001369534.1); c.1184_1185del, p.Lys395fs (NM_001369535.1); c.1232_1233del, p.Lys411fs (NM_001369536.1); c.1700_1701delAA, p.Lys567Serfs (NM_001381928.1); short protein forms K395fs, K411fs, K539fs, K551fs, K567fs.
Identifiers: ClinVar variation 3031945 (VCV003031945.2), dbSNP rs1222942834, ClinGen allele CA588998376.

ClinVar aggregate classification (germline): Uncertain significance (0 of 4 stars; one submission).

Conditions:
NTRK2-related disorder. Also called: NTRK2-related condition.

Submission:

PreventionGenetics, part of Exact Sciences
Classification: Uncertain significance for NTRK2-related condition. Last evaluated: 2024-01-11. Review status: no assertion criteria provided. Collection method: clinical testing. Allele origin: germline.
Comment: The NTRK2 c.1700_1701delAA variant is predicted to result in a frameshift and premature protein termination (p.Lys567Serfs*5). To our knowledge, this variant has not been reported in the literature. This variant is reported in 0.00088% of alleles in individuals of European (Non-Finnish) descent in gnomAD. At this time, the clinical significance of this variant is uncertain due to the absence of conclusive functional and genetic evidence.